The following is an entry in ClinVar:

NM_001261826.3(AP3D1):c.3177C>T (p.Gly1059=)

Gene: AP3D1 (adaptor related protein complex 3 subunit delta 1; minus strand). Cytogenetic location: 19p13.3.
Variant type: single nucleotide variant.
Coding change: c.3177C>T on transcript NM_001261826.3 (MANE Select); coding-DNA position 3177, C replaced by T.
Protein change: p.Gly1059=; no amino-acid change (glycine 1059 retained).
Molecular consequence: synonymous variant.
Genome position (GRCh38, 1-based): chr19:2,110,223, G>A on the plus strand (C>T on the coding strand, the complement: AP3D1 is on the minus strand). VCF-style: chr19-2110223-G-A. GRCh37 (hg19) VCF-style: chr19-2110222-G-A.
Other names: p.Gly1059=; c.3141C>T, p.Gly1047= (NM_001374799.1); c.2991C>T, p.Gly997= (NM_003938.8).
Identifiers: ClinVar variation 714876 (VCV000714876.34), dbSNP rs115348240, ClinGen allele CA9058519.

ClinVar aggregate classification (germline): Benign/Likely benign. Review status: criteria provided, multiple submitters, no conflicts (2 of 4 stars). 4 submissions from 4 submitters: Benign (2); Likely benign (2). Last evaluated 2026-01-13.

Allele frequency attached by ClinVar (database versions not stated): gnomAD exomes 0.00031; ExAC 0.00078; 1000 Genomes Project 30x 0.00187; 1000 Genomes Project 0.00240; gnomAD 0.00332 and 0.00365; TOPMed 0.00370; ESP Exome Variant Server 0.00429.
gnomAD v4.1: 970 of 1,611,458 alleles (0.06%); highest among the groups gnomAD compares: African/African-American, 1.2%; 8 homozygotes.

Submissions (4):

Labcorp Genetics (formerly Invitae), Labcorp
Classification: Benign. Last evaluated: 2026-01-13. Review status: criteria provided, single submitter. Criteria: Invitae Variant Classification Sherloc (09022015). Collection method: clinical testing. Allele origin: germline.

Mayo Clinic Laboratories, Mayo Clinic
Classification: Benign. Last evaluated: 2025-01-03. Review status: criteria provided, single submitter. Criteria: ACMG Guidelines, 2015. Collection method: clinical testing. Allele origin: germline. Observed: 5 variant alleles.
Comment: BS1, BS2, BP4, BP7

Blueprint Genetics
Classification: Likely benign. Last evaluated: 2024-07-18. Review status: criteria provided, single submitter. Criteria: ACMG Guidelines, 2015. Collection method: clinical testing. Allele origin: germline.

CeGaT Center for Human Genetics Tuebingen
Classification: Likely benign. Last evaluated: 2023-02-01. Review status: criteria provided, single submitter. Criteria: CeGaT Center For Human Genetics Tuebingen Variant Classification Criteria Version 2. Collection method: clinical testing. Allele origin: germline. Affected: yes. Observed: 2 variant alleles.
Comment: AP3D1: BP4, BP7, BS1